The following is an entry in ClinVar:

ClinVar aggregate classification (germline): Uncertain significance (1 of 4 stars; one submission).

Submission:

Women's Health and Genetics/Laboratory Corporation of America, LabCorp
Classification: Uncertain significance. Last evaluated: 2026-06-18. Review status: criteria provided, single submitter. Criteria: LabCorp Variant Classification Summary - May 2015. Collection method: clinical testing. Allele origin: germline.
Comment: Variant summary: DSPP c.2795A>G (p.Asn932Ser) results in a conservative amino acid change in the encoded protein sequence. Algorithms developed to predict the effect of missense changes on protein structure and function all suggest that this variant is likely to be tolerated. The variant was absent in 152356 control chromosomes (gnomAD). The available data on variant occurrences in the general population are insufficient to allow any conclusion about variant significance. To our knowledge, no occurrence of c.2795A>G in individuals affected with DSPP-related conditions and no experimental evidence demonstrating its impact on protein function have been reported. No submitters have cited clinical-significance assessments for this variant to ClinVar. Based on the evidence outlined above, the variant was classified as uncertain significance.

NM_014208.3(DSPP):c.2795A>G (p.Asn932Ser)

Genes: DMP1-AS1 (DMP1 and DSPP antisense RNA 1; minus strand), DSPP (dentin sialophosphoprotein; plus strand). Cytogenetic location: 4q22.1.
Variant type: single nucleotide variant.
Coding change: c.2795A>G on transcript NM_014208.3 (MANE Select); coding-DNA position 2795, A replaced by G.
Protein change: p.Asn932Ser; replaces asparagine 932 with serine.
Molecular consequence: missense variant.
Genome position (GRCh38, 1-based): chr4:87,615,457, A>G. VCF-style: chr4-87615457-A-G. GRCh37 (hg19) VCF-style: chr4-88536609-A-G.
Other names: short protein forms N932S.
Identifiers: ClinVar variation 4887125 (VCV004887125.1).